The following is an entry in ClinVar:

ClinVar aggregate classification (germline): Uncertain significance (1 of 4 stars; one submission).

Submission:

GeneDx
Classification: Uncertain significance. Last evaluated: 2025-05-08. Review status: criteria provided, single submitter. Criteria: GeneDx Variant Classification Process June 2021. Collection method: clinical testing. Allele origin: germline. Affected: yes.
Comment: Not observed at significant frequency in large population cohorts (gnomAD); In silico analysis supports that this missense variant has a deleterious effect on protein structure/function; Has not been previously published as pathogenic or benign to our knowledge

NM_004453.4(ETFDH):c.1178A>C (p.Asn393Thr)

Gene: ETFDH (electron transfer flavoprotein dehydrogenase; plus strand). Cytogenetic location: 4q32.1.
Variant type: single nucleotide variant.
Coding change: c.1178A>C on transcript NM_004453.4 (MANE Select); coding-DNA position 1178, A replaced by C.
Protein change: p.Asn393Thr; replaces asparagine 393 with threonine.
Molecular consequence: missense variant.
Genome position (GRCh38, 1-based): chr4:158,703,484, A>C. VCF-style: chr4-158703484-A-C. GRCh37 (hg19) VCF-style: chr4-159624636-A-C.
Other names: c.1037A>C, p.Asn346Thr (NM_001281737.2); c.995A>C, p.Asn332Thr (NM_001281738.1); short protein forms N332T, N346T, N393T.
Identifiers: ClinVar variation 4528216 (VCV004528216.1).